The following is an entry in ClinVar:

NM_007294.3(BRCA1):c.442-?_4357+?del

Genes: BRCA1 (BRCA1 DNA repair associated; minus strand), LOC126862571 (BRD4-independent group 4 enhancer GRCh37_chr17:41243136-41244335; plus strand). Cytogenetic location: 17q21.31.
Variant type: Deletion.
Coding change: c.442-?_4357+?del on transcript NM_007294.3.
Other names: c.442-?_4357+?del (LRG_292t1).
Identifiers: ClinVar variation 254055 (VCV000254055.3).

ClinVar aggregate classification (germline): Pathogenic. Review status: criteria provided, multiple submitters, no conflicts (2 of 4 stars). 2 submissions from 2 submitters: Pathogenic (2). Last evaluated 2016-08-12.

Conditions:
Hereditary breast ovarian cancer syndrome. Also called: Hereditary breast and ovarian cancer syndrome (HBOC); Breast and ovarian cancer; Hereditary breast and ovarian cancer syndrome; Hereditary breast and ovarian cancer; BRCA1- and BRCA2-Associated Hereditary Breast and Ovarian Cancer; Hereditary breast and/or ovarian cancer syndrome. Identifiers: Orphanet 145, MedGen C0677776, MeSH D061325, MONDO:0003582. Disease mechanism: loss of function.
Breast-ovarian cancer, familial, susceptibility to, 1 (BROVCA1). Also called: BRCA1 Hereditary Breast and Ovarian Cancer; OVARIAN CANCER, SUSCEPTIBILITY TO. Identifiers: Orphanet 145, MedGen C2676676, MONDO:0011450, OMIM 604370. Disease mechanism: loss of function.

Submissions (2):

Labcorp Genetics (formerly Invitae), Labcorp
Classification: Pathogenic for Hereditary breast ovarian cancer syndrome. Last evaluated: 2016-08-12. Review status: criteria provided, single submitter. Criteria: Invitae Variant Classification Sherloc (09022015). Collection method: clinical testing. Allele origin: germline.
Comment: This variant is a gross deletion of the genomic region encompassing exons 7-12 of the BRCA1 gene. This creates a premature translational stop signal and is expected to result in an absent or disrupted protein product. The 5' boundary is likely confined to intron 6, and the 3' boundary is likely confined to intron 12. Subgenic deletions in BRCA1 are known to be pathogenic. Deletions of exons 7-12 have been reported in the literature in individuals with breast and/or ovarian cancer (PMID: 25151137, 15475941, 21120943, 9927062, 17718857, 17688236). Deletion of exons 7-12 is also known as deletion of exons 8-13 in the literature. For these reasons, this variant has been classified as Pathogenic.

Consortium of Investigators of Modifiers of BRCA1/2 (CIMBA), c/o University of Cambridge
Classification: Pathogenic for Breast-ovarian cancer, familial, susceptibility to, 1. Last evaluated: 2015-10-02. Review status: criteria provided, single submitter. Criteria: CIMBA Mutation Classification guidelines May 2016. Collection method: clinical testing. Allele origin: germline.